The following is an entry in ClinVar:

NM_139027.6(ADAMTS13):c.1669C>T (p.Pro557Ser)

Gene: ADAMTS13 (ADAM metallopeptidase with thrombospondin type 1 motif 13; plus strand). Cytogenetic location: 9q34.2.
Variant type: single nucleotide variant.
Coding change: c.1669C>T on transcript NM_139027.6 (MANE Select); coding-DNA position 1669, C replaced by T.
Protein change: p.Pro557Ser; replaces proline 557 with serine.
Molecular consequence: missense variant.
Genome position (GRCh38, 1-based): chr9:133,438,330, C>T. VCF-style: chr9-133438330-C-T. GRCh37 (hg19) VCF-style: chr9-136303450-C-T.
Other names: c.1669C>T, p.Pro557Ser (NM_139025.5); c.1576C>T, p.Pro526Ser (NM_139026.6); short protein forms P526S, P557S.
Identifiers: ClinVar variation 1946360 (VCV001946360.2), dbSNP rs1554789701, ClinGen allele CA375393814.

ClinVar aggregate classification (germline): Uncertain significance (1 of 4 stars; one submission).

Allele frequency attached by ClinVar (database versions not stated): TOPMed below 0.00001.
gnomAD v4.1: 1 of 1,614,048 alleles (0.000062%); highest among the groups gnomAD compares: Non-Finnish European, 0.000085%; no homozygotes.

Submission:

Labcorp Genetics (formerly Invitae), Labcorp
Classification: Uncertain significance. Last evaluated: 2022-07-17. Review status: criteria provided, single submitter. Criteria: Invitae Variant Classification Sherloc (09022015). Collection method: clinical testing. Allele origin: germline.
Comment: This sequence change replaces proline, which is neutral and non-polar, with serine, which is neutral and polar, at codon 557 of the ADAMTS13 protein (p.Pro557Ser). This variant is not present in population databases (gnomAD no frequency). This variant has not been reported in the literature in individuals affected with ADAMTS13-related conditions. Algorithms developed to predict the effect of missense changes on protein structure and function output the following: SIFT: "Tolerated"; PolyPhen-2: "Benign"; Align-GVGD: "Class C0". The serine amino acid residue is found in multiple mammalian species, which suggests that this missense change does not adversely affect protein function. In summary, the available evidence is currently insufficient to determine the role of this variant in disease. Therefore, it has been classified as a Variant of Uncertain Significance.